The following is an entry in ClinVar:

NM_018474.6(KIZ):c.1199G>A (p.Gly400Asp)

Gene: KIZ (kizuna centrosomal protein; plus strand). Cytogenetic location: 20p11.23.
Variant type: single nucleotide variant.
Coding change: c.1199G>A on transcript NM_018474.6 (MANE Select); coding-DNA position 1199, G replaced by A.
Protein change: p.Gly400Asp; replaces glycine 400 with aspartic acid.
Molecular consequence: missense variant.
Genome position (GRCh38, 1-based): chr20:21,163,006, G>A. VCF-style: chr20-21163006-G-A. GRCh37 (hg19) VCF-style: chr20-21143647-G-A.
Other names: c.890G>A, p.Gly297Asp (NM_001163022.3, NM_001352435.2); c.800G>A, p.Gly267Asp (NM_001163023.3); c.1052G>A, p.Gly351Asp (NM_001276389.2); c.1199G>A, p.Gly400Asp (NM_001352434.2); c.857G>A, p.Gly286Asp (NM_001352436.2); c.1199G>A (NM_018474.4); short protein forms G267D, G286D, G297D, G351D, G400D.
Identifiers: ClinVar variation 1026576 (VCV001026576.7), dbSNP rs760383931, ClinGen allele CA9784794.

ClinVar aggregate classification (germline): Conflicting classifications of pathogenicity. Review status: criteria provided, conflicting classifications (1 of 4 stars). 3 submissions from 3 submitters: Uncertain significance (2); Likely benign (1). Last evaluated 2024-03-07.

Allele frequency attached by ClinVar (database versions not stated): gnomAD exomes 0.00006 and 0.00002; TOPMed 0.00006; ExAC 0.00002; gnomAD 0.00003.
gnomAD v4.1: 84 of 1,613,794 alleles (0.0052%); highest among the groups gnomAD compares: Non-Finnish European, 0.0068%; no homozygotes.

Submissions (3):

Blueprint Genetics
Classification: Uncertain significance. Last evaluated: 2024-03-07. Review status: criteria provided, single submitter. Criteria: ACMG Guidelines, 2015. Collection method: clinical testing. Allele origin: germline.

Ambry Genetics
Classification: Likely benign. Last evaluated: 2022-06-21. Review status: criteria provided, single submitter. Criteria: Ambry Variant Classification Scheme 2023. Collection method: clinical testing. Allele origin: germline.

Labcorp Genetics (formerly Invitae), Labcorp
Classification: Uncertain significance. Last evaluated: 2021-12-19. Review status: criteria provided, single submitter. Criteria: Invitae Variant Classification Sherloc (09022015). Collection method: clinical testing. Allele origin: germline.
Comment: This sequence change replaces glycine, which is neutral and non-polar, with aspartic acid, which is acidic and polar, at codon 400 of the KIZ protein (p.Gly400Asp). This variant is present in population databases (rs760383931, gnomAD 0.004%). This variant has not been reported in the literature in individuals affected with KIZ-related conditions. ClinVar contains an entry for this variant (Variation ID: 1026576). Experimental studies and prediction algorithms are not available or were not evaluated, and the functional significance of this variant is currently unknown. In summary, the available evidence is currently insufficient to determine the role of this variant in disease. Therefore, it has been classified as a Variant of Uncertain Significance.